The following is an entry in ClinVar:

ClinVar aggregate classification (germline): Pathogenic (1 of 4 stars; one submission).

Submission:

Labcorp Genetics (formerly Invitae), Labcorp
Classification: Pathogenic. Last evaluated: 2023-04-23. Review status: criteria provided, single submitter. Criteria: Invitae Variant Classification Sherloc (09022015). Collection method: clinical testing. Allele origin: germline.
Comment: This variant has not been reported in the literature in individuals affected with CACNA1B-related conditions. This variant is not present in population databases (gnomAD no frequency). This sequence change creates a premature translational stop signal (p.Ser1826Argfs*19) in the CACNA1B gene. It is expected to result in an absent or disrupted protein product. Loss-of-function variants in CACNA1B are known to be pathogenic (PMID: 30982612). For these reasons, this variant has been classified as Pathogenic.

Literature cited by the submitters: PubMed 30982612.

NM_000718.4(CACNA1B):c.5475_5476del (p.Ser1826fs)

Gene: CACNA1B (calcium voltage-gated channel subunit alpha1 B; plus strand). Cytogenetic location: 9q34.3.
Variant type: Deletion.
Coding change: c.5475_5476del on transcript NM_000718.4 (MANE Select); coding-DNA positions 5475 to 5476, 2 bases deleted (TT; older notation c.5475_5476delTT).
Protein change: p.Ser1826fs; shifts the reading frame from serine 1826.
Molecular consequence: frameshift variant.
Genome position (GRCh38, 1-based): chr9:138,112,444-138,112,445, TT deleted; deleting any 2 consecutive bases within chr9:138,112,443-138,112,445 gives the same sequence; the c. name uses the placement nearest the transcript's 3' end. VCF-style (leftmost placement, unchanged base first): chr9-138112442-ATT-A. GRCh37 (hg19) VCF-style: chr9-141006894-ATT-A.
Other names: c.5475_5476del, p.Ser1826fs (NM_001243812.2); short protein forms S1826fs.
Identifiers: ClinVar variation 2858601 (VCV002858601.3), dbSNP rs2539590504, ClinGen allele CA2739265265.